The following is an entry in ClinVar:

ClinVar aggregate classification (germline): Benign/Likely benign. Review status: criteria provided, multiple submitters, no conflicts (2 of 4 stars). 3 submissions from 3 submitters: Benign (1); Likely benign (2). Last evaluated 2026-07-09.

Conditions:
Hereditary cancer-predisposing syndrome. Also called: Tumor predisposition; Neoplastic Syndromes, Hereditary; Hereditary Cancer Syndrome; Hereditary neoplastic syndrome. Identifiers: Orphanet 140162, MedGen C0027672, MeSH D009386, MONDO:0015356.
Rhabdoid tumor predisposition syndrome 2 (RTPS2). Identifiers: Orphanet 231108, Orphanet 69077, MedGen C2750074, MONDO:0013224, OMIM 613325.

Allele frequency attached by ClinVar (database versions not stated): gnomAD exomes 0.00001.
gnomAD v4.1: 19 of 1,610,804 alleles (0.0012%); highest among the groups gnomAD compares: Non-Finnish European, 0.0016%; no homozygotes.

Submissions (3):

Myriad Genetics, Inc.
Classification: Benign for Rhabdoid tumor predisposition syndrome 2. Last evaluated: 2026-07-09. Review status: criteria provided, single submitter. Criteria: Myriad Autosomal Dominant, Autosomal Recessive and X-Linked Classification Criteria (2023). Collection method: clinical testing. Allele origin: unknown.
Comment: This variant is considered benign. This variant is a silent/synonymous amino acid change and it is not expected to impact splicing.

Labcorp Genetics (formerly Invitae), Labcorp
Classification: Likely benign for Rhabdoid tumor predisposition syndrome 2. Last evaluated: 2025-02-03. Review status: criteria provided, single submitter. Criteria: Invitae Variant Classification Sherloc (09022015). Collection method: clinical testing. Allele origin: germline.

Ambry Genetics
Classification: Likely benign for Hereditary cancer-predisposing syndrome. Last evaluated: 2021-12-16. Review status: criteria provided, single submitter. Criteria: Ambry Variant Classification Scheme 2023. Collection method: clinical testing. Allele origin: germline.

NM_003072.5(SMARCA4):c.529C>T (p.Leu177=)

Gene: SMARCA4 (SWI/SNF related BAF chromatin remodeling complex subunit ATPase 4; plus strand). Cytogenetic location: 19p13.2.
Variant type: single nucleotide variant.
Coding change: c.529C>T on transcript NM_003072.5 (MANE Select); coding-DNA position 529, C replaced by T.
Protein change: p.Leu177=; no amino-acid change (leucine 177 retained).
Molecular consequence: synonymous variant. On other transcripts: non-coding transcript variant (1).
Genome position (GRCh38, 1-based): chr19:10,986,362, C>T. VCF-style: chr19-10986362-C-T. GRCh37 (hg19) VCF-style: chr19-11097038-C-T.
Other names: c.529C>T, p.Leu177= (NM_001128844.3, NM_001128845.2, NM_001128846.2 and 5 more transcripts).
Identifiers: ClinVar variation 537842 (VCV000537842.15), dbSNP rs1555753296, ClinGen allele CA505743935.